The following is an entry in ClinVar:

ClinVar aggregate classification (germline): Uncertain significance (1 of 4 stars; one submission).

Conditions:
Beta-D-mannosidosis (MANSB). Also called: MANNOSIDOSIS, BETA A, LYSOSOMAL; BETA-MANNOSIDASE DEFICIENCY; LYSOSOMAL BETA-MANNOSIDASE DEFICIENCY; Beta-Mannosidosis. Identifiers: Orphanet 118, MedGen C4048196, MONDO:0009562, OMIM 248510.

Allele frequency attached by ClinVar (database versions not stated): ExAC 0.00007; gnomAD 0.00005; TOPMed 0.00004; gnomAD exomes 0.00006.
gnomAD v4.1: 93 of 1,613,170 alleles (0.0058%); highest among the groups gnomAD compares: Middle Eastern, 0.016%; no homozygotes.

Submission:

Labcorp Genetics (formerly Invitae), Labcorp
Classification: Uncertain significance for Beta-D-mannosidosis. Last evaluated: 2022-02-10. Review status: criteria provided, single submitter. Criteria: Invitae Variant Classification Sherloc (09022015). Collection method: clinical testing. Allele origin: germline.
Comment: This sequence change replaces arginine, which is basic and polar, with cysteine, which is neutral and slightly polar, at codon 613 of the MANBA protein (p.Arg613Cys). This variant is present in population databases (rs749814120, gnomAD 0.009%). This variant has not been reported in the literature in individuals affected with MANBA-related conditions. ClinVar contains an entry for this variant (Variation ID: 933478). Algorithms developed to predict the effect of missense changes on protein structure and function are either unavailable or do not agree on the potential impact of this missense change (SIFT: "Deleterious"; PolyPhen-2: "Possibly Damaging"; Align-GVGD: "Class C15"). In summary, the available evidence is currently insufficient to determine the role of this variant in disease. Therefore, it has been classified as a Variant of Uncertain Significance.

NM_005908.4(MANBA):c.1837C>T (p.Arg613Cys)

Gene: MANBA (mannosidase beta; minus strand). Cytogenetic location: 4q24.
Variant type: single nucleotide variant.
Coding change: c.1837C>T on transcript NM_005908.4 (MANE Select); coding-DNA position 1837, C replaced by T.
Protein change: p.Arg613Cys; replaces arginine 613 with cysteine.
Molecular consequence: missense variant.
Genome position (GRCh38, 1-based): chr4:102,650,569, G>A on the plus strand (C>T on the coding strand, the complement: MANBA is on the minus strand). VCF-style: chr4-102650569-G-A. GRCh37 (hg19) VCF-style: chr4-103571726-G-A.
Other names: short protein forms R613C.
Identifiers: ClinVar variation 933478 (VCV000933478.3), dbSNP rs749814120, ClinGen allele CA3026790.